The following is an entry in ClinVar:

NM_025163.4(PIGZ):c.1140G>A (p.Leu380=)

Gene: PIGZ (phosphatidylinositol glycan anchor biosynthesis class Z (Gwada blood group); minus strand). Cytogenetic location: 3q29.
Variant type: single nucleotide variant.
Coding change: c.1140G>A on transcript NM_025163.4 (MANE Select); coding-DNA position 1140, G replaced by A.
Protein change: p.Leu380=; no amino-acid change (leucine 380 retained).
Molecular consequence: synonymous variant.
Genome position (GRCh38, 1-based): chr3:196,947,757, C>T on the plus strand (G>A on the coding strand, the complement: PIGZ is on the minus strand). VCF-style: chr3-196947757-C-T. GRCh37 (hg19) VCF-style: chr3-196674628-C-T.
Identifiers: ClinVar variation 2654515 (VCV002654515.24), dbSNP rs753256209, ClinGen allele CA2783748.

ClinVar aggregate classification (germline): Likely benign (1 of 4 stars; one submission).

Allele frequency attached by ClinVar (database versions not stated): ExAC 0.00001; TOPMed 0.00003; gnomAD 0.00004.
gnomAD v4.1: 72 of 1,611,668 alleles (0.0045%); highest among the groups gnomAD compares: Non-Finnish European, 0.006%; no homozygotes.

Submission:

CeGaT Center for Human Genetics Tuebingen
Classification: Likely benign. Last evaluated: 2023-04-01. Review status: criteria provided, single submitter. Criteria: CeGaT Center For Human Genetics Tuebingen Variant Classification Criteria Version 2. Collection method: clinical testing. Allele origin: germline. Affected: yes. Observed: 1 variant allele.
Comment: PIGZ: BP4, BP7